The following is an entry in ClinVar:

NM_025099.6(CTC1):c.884_889del (p.Arg295_Gln296del)

Gene: CTC1 (CST telomere replication complex component 1; minus strand). Cytogenetic location: 17p13.1.
Variant type: Deletion.
Coding change: c.884_889del on transcript NM_025099.6 (MANE Select); coding-DNA positions 884 to 889, 6 bases deleted (GCCAGC; older notation c.884_889delGCCAGC).
Protein change: p.Arg295_Gln296del.
Molecular consequence: inframe deletion. On other transcripts: non-coding transcript variant (1).
Genome position (GRCh38, 1-based): chr17:8,236,246-8,236,251, GCTGGC deleted on the plus strand (GCCAGC on the coding strand, the reverse complement: CTC1 is on the minus strand); deleting any 6 consecutive bases within chr17:8,236,246-8,236,255 gives the same sequence; the c. name uses the placement nearest the transcript's 3' end. VCF-style (leftmost placement, unchanged base first): chr17-8236245-TGCTGGC-T. GRCh37 (hg19) VCF-style: chr17-8139563-TGCTGGC-T.
Identifiers: ClinVar variation 1509911 (VCV001509911.6), dbSNP rs2151523720, ClinGen allele CA2573154569.
Genomic context (GRCh38, chr17:8,236,245, plus strand): 5'-TCCTGCACACATTCTGGTTTCAGCAGCAACAGACGGGAGGACTGACTGGTCATCCAAACA[TGCTGGC>T]GCTGACCACGGATCTTGGACACTCGCAGTTCTGTCAGCACATAGGCTGTACCAGGCCGAA-3'

ClinVar aggregate classification (germline): Uncertain significance (1 of 4 stars; one submission).

Conditions:
Dyskeratosis congenita. Identifiers: Orphanet 1775, MedGen C0265965, MONDO:0015780.

Submission:

Labcorp Genetics (formerly Invitae), Labcorp
Classification: Uncertain significance for Dyskeratosis congenita. Last evaluated: 2022-01-27. Review status: criteria provided, single submitter. Criteria: Invitae Variant Classification Sherloc (09022015). Collection method: clinical testing. Allele origin: germline.
Comment: This variant, c.884_889del, results in the deletion of 2 amino acid(s) of the CTC1 protein (p.Arg295_Gln296del), but otherwise preserves the integrity of the reading frame. This variant is not present in population databases (gnomAD no frequency). This variant has not been reported in the literature in individuals affected with CTC1-related conditions. Experimental studies and prediction algorithms are not available or were not evaluated, and the functional significance of this variant is currently unknown. In summary, the available evidence is currently insufficient to determine the role of this variant in disease. Therefore, it has been classified as a Variant of Uncertain Significance.